The following is an entry in ClinVar:

NM_001204.7(BMPR2):c.1157A>T (p.Glu386Val)

Gene: BMPR2 (bone morphogenetic protein receptor type 2; plus strand). Cytogenetic location: 2q33.2.
Variant type: single nucleotide variant.
Coding change: c.1157A>T on transcript NM_001204.7 (MANE Select); coding-DNA position 1157, A replaced by T.
Protein change: p.Glu386Val; replaces glutamic acid 386 with valine.
Molecular consequence: missense variant.
Genome position (GRCh38, 1-based): chr2:202,532,613, A>T. VCF-style: chr2-202532613-A-T. GRCh37 (hg19) VCF-style: chr2-203397336-A-T.
Other names: NM_001204.7(BMPR2):c.1157A>T; p.Glu386Val; c.1157A>T (LRG_712t1); short protein forms E386V.
Identifiers: ClinVar variation 425887 (VCV000425887.2), dbSNP rs1085307307, ClinGen allele CA350341741.

ClinVar aggregate classification (germline): Likely pathogenic. Review status: reviewed by expert panel (3 of 4 stars). 2 submissions from 2 submitters: Likely pathogenic (1). 1 of the submissions does not count toward it. Last evaluated 2024-11-06.

Conditions:
Pulmonary arterial hypertension. Identifiers: Orphanet 182090, MedGen C2973725, MeSH D000081029, MONDO:0015924, HP:0002092.
Pulmonary hypertension, primary, 1 (PPH1). Also called: Pulmonary hypertension, familial primary, 1, with or without HHT. Identifiers: Orphanet 422, MedGen C4552070, MONDO:0024533, OMIM 178600.

Submissions (2):

Clingen Pulmonary Hypertension Variant Curation Expert Panel, ClinGen
Classification: Likely pathogenic for Pulmonary arterial hypertension. Last evaluated: 2024-11-06. Review status: reviewed by expert panel. Criteria: ClinGen PH ACMG Specifications BMPR2 V1.1.0. Collection method: curation. Allele origin: germline. Inheritance: Autosomal dominant inheritance.
Comment: The c.1157A>T (p.Glu386Val) variant is harboured in exon 9 of the BMPR2 gene, encoding the functionally relevant catalytic kinase domain and impacts an amino acid indispensable to kinase structure and function (PM1_strong). This variant is absent from gnomAD v2.1.1 (controls) and v4.1 (PM2_supporting). The variant has been reported once in an FPAH subject (PMID: 18364108) (PS4 not met). The REVEL prediction algorithm score is 0.99, the AlphaMissense score is 0.996 indicating pathogenicity (PP3_met). PS2 was not assessed due to lack of paternity data. Functional studies have not been conducted for this variant (PS3 not assessed). Four additional likely pathogenic variants (p.Glu386Ala/Gln/Gly/Lys) have been reported at the same position (PMIDs: 18503968, 21801371, 23675998 and 26387786) (PM5_supporting). In summary, this variant meets the criteria to be classified as likely pathogenic for pulmonary arterial hypertension based on the ACMG/AMP criteria applied, as specified by the ClinGen Pulmonary Hypertension VCEP: PM1_strong, PM2_supporting, PM5_supporting, PP3 (VCEP specification version 1.1.0, 1/18/2024).

Rare Disease Genomics Group, St George's University of London
Classification: Pathogenic for Primary pulmonary hypertension. Review status: no assertion criteria provided. Collection method: literature only. Allele origin: germline. Affected: yes. Not counted in ClinVar's aggregate classification.

Literature cited by the submitters: PubMed 18364108 (cited by Rare Disease Genomics Group, St George's University of London).